The following is an entry in ClinVar:

ClinVar aggregate classification (germline): Uncertain significance (1 of 4 stars; one submission).

Conditions:
Cardiovascular phenotype. Identifiers: MedGen CN230736.

Submission:

Ambry Genetics
Classification: Uncertain significance for Cardiovascular phenotype. Last evaluated: 2025-02-27. Review status: criteria provided, single submitter. Criteria: Ambry Variant Classification Scheme 2023. Collection method: clinical testing. Allele origin: germline.
Comment: The p.P72R variant (also known as c.215C>G), located in coding exon 3 of the GPIHBP1 gene, results from a C to G substitution at nucleotide position 215. The proline at codon 72 is replaced by arginine, an amino acid with dissimilar properties. This amino acid position is conserved. In addition, this alteration is predicted to be tolerated by in silico analysis. Based on the available evidence, the clinical significance of this variant remains unclear.

NM_178172.6(GPIHBP1):c.215C>G (p.Pro72Arg)

Gene: GPIHBP1 (glycosylphosphatidylinositol anchored high density lipoprotein binding protein 1; plus strand). Cytogenetic location: 8q24.3.
Variant type: single nucleotide variant.
Coding change: c.215C>G on transcript NM_178172.6 (MANE Select); coding-DNA position 215, C replaced by G.
Protein change: p.Pro72Arg; replaces proline 72 with arginine.
Molecular consequence: missense variant.
Genome position (GRCh38, 1-based): chr8:143,215,046, C>G. VCF-style: chr8-143215046-C-G. GRCh37 (hg19) VCF-style: chr8-144296921-C-G.
Other names: c.215C>G, p.Pro72Arg (NM_001301772.2); short protein forms P72R.
Identifiers: ClinVar variation 3854992 (VCV003854992.1).
Genomic context (GRCh38, chr8:143,215,046, plus strand): 5'-CTCGGCCTGAGCCCGCCTTGTCCCCAGTGCTGCTGCGGTGCTACACCTGCAAGTCCCTGC[C>G]CAGGGACGAGCGCTGCAACCTGACGCAGAACTGCTCACATGGCCAGACCTGCACAACCCT-3'
Protein context (NP_835466.2, residues 62-82): LLRCYTCKSL[Pro72Arg]RDERCNLTQN